The following is an entry in ClinVar:

NM_000152.5(GAA):c.247G>A (p.Asp83Asn)

Gene: GAA (alpha glucosidase; plus strand). Cytogenetic location: 17q25.3.
Variant type: single nucleotide variant.
Coding change: c.247G>A on transcript NM_000152.5 (MANE Select); coding-DNA position 247, G replaced by A.
Protein change: p.Asp83Asn; replaces aspartic acid 83 with asparagine.
Molecular consequence: missense variant.
Genome position (GRCh38, 1-based): chr17:80,104,833, G>A. VCF-style: chr17-80104833-G-A. GRCh37 (hg19) VCF-style: chr17-78078632-G-A.
Other names: c.247G>A, p.Asp83Asn (NM_001079803.3, NM_001079804.3); c.247G>A (LRG_673t1); short protein forms D83N.
Identifiers: ClinVar variation 290327 (VCV000290327.17), dbSNP rs771101156, ClinGen allele CA8814822.

ClinVar aggregate classification (germline): Uncertain significance. Review status: criteria provided, multiple submitters, no conflicts (2 of 4 stars). 7 submissions from 7 submitters: Uncertain significance (6). 1 of the submissions does not count toward it. Last evaluated 2025-09-04.

Conditions:
Glycogen storage disease, type II (IOPD). Also called: Pompe Disease; CARDIOMEGALIA GLYCOGENICA DIFFUSA; GLYCOGENOSIS, GENERALIZED, CARDIAC FORM; GSD II; Glycogen storage disease type 2; Acid maltase deficiency disease. Identifiers: Orphanet 365, MedGen C0017921, MONDO:0009290, OMIM 232300.

Allele frequency attached by ClinVar (database versions not stated): gnomAD 0.00001; gnomAD exomes 0.00001 and 0.00004; TOPMed 0.00002; ExAC 0.00004.
gnomAD v4.1: 20 of 1,612,426 alleles (0.0012%); highest among the groups gnomAD compares: East Asian, 0.0067%; no homozygotes.

Submissions (7):

Myriad Genetics, Inc.
Classification: Uncertain significance for Glycogen storage disease, type II. Last evaluated: 2025-09-04. Review status: criteria provided, single submitter. Criteria: Myriad Autosomal Dominant, Autosomal Recessive and X-Linked Classification Criteria (2023). Collection method: clinical testing. Allele origin: unknown.
Comment: NM_000152.3(GAA):c.247G>A(D83N) is a missense variant classified as a variant of uncertain significance in the context of Pompe disease. D83N has not been observed in cases with relevant disease. Relevant functional assessments of this variant are not available in the literature. D83N has been observed in referenced population frequency databases. In summary, there is insufficient evidence to classify NM_000152.3(GAA):c.247G>A(D83N) as pathogenic or benign. Please note: this variant was assessed in the context of healthy population screening.

Clinical Genetics Laboratory, Skane University Hospital Lund
Classification: Uncertain significance. Last evaluated: 2023-06-26. Review status: criteria provided, single submitter. Criteria: ACMG Guidelines, 2015. Collection method: clinical testing. Allele origin: germline. Affected: yes.

Labcorp Genetics (formerly Invitae), Labcorp
Classification: Uncertain significance for Glycogen storage disease, type II. Last evaluated: 2022-05-09. Review status: criteria provided, single submitter. Criteria: Invitae Variant Classification Sherloc (09022015). Collection method: clinical testing. Allele origin: germline.
Comment: This sequence change replaces aspartic acid, which is acidic and polar, with asparagine, which is neutral and polar, at codon 83 of the GAA protein (p.Asp83Asn). This variant is present in population databases (rs771101156, gnomAD 0.03%). This variant has not been reported in the literature in individuals affected with GAA-related conditions. ClinVar contains an entry for this variant (Variation ID: 290327). Advanced modeling of protein sequence and biophysical properties (such as structural, functional, and spatial information, amino acid conservation, physicochemical variation, residue mobility, and thermodynamic stability) performed at Invitae indicates that this missense variant is not expected to disrupt GAA protein function. In summary, the available evidence is currently insufficient to determine the role of this variant in disease. Therefore, it has been classified as a Variant of Uncertain Significance.

Blueprint Genetics
Classification: Uncertain significance. Last evaluated: 2022-03-31. Review status: criteria provided, single submitter. Criteria: ACMG Guidelines, 2015. Collection method: clinical testing. Allele origin: germline.

Genome-Nilou Lab
Classification: Uncertain significance for Glycogen storage disease, type II. Last evaluated: 2021-09-05. Review status: criteria provided, single submitter. Criteria: ACMG Guidelines, 2015. Collection method: clinical testing. Allele origin: germline. Affected: no.

Eurofins Ntd Llc (ga)
Classification: Uncertain significance. Last evaluated: 2016-09-06. Review status: criteria provided, single submitter. Criteria: EGL Classification Definitions 2015. Collection method: clinical testing. Allele origin: germline. Observed: 2 variant alleles, 2 heterozygotes.

Natera, Inc.
Classification: Uncertain significance for Glycogen storage disease type II. Last evaluated: 2020-07-28. Review status: no assertion criteria provided. Collection method: clinical testing. Allele origin: germline. Not counted in ClinVar's aggregate classification.